The following is an entry in ClinVar:

NM_138694.4(PKHD1):c.9600del (p.Arg3201fs)

Gene: PKHD1 (PKHD1 ciliary IPT domain containing fibrocystin/polyductin; minus strand). Cytogenetic location: 6p12.3.
Variant type: Deletion.
Coding change: c.9600del on transcript NM_138694.4 (MANE Select); coding-DNA position 9600, one base deleted (T; older notation c.9600delT).
Protein change: p.Arg3201fs; shifts the reading frame from arginine 3201.
Molecular consequence: frameshift variant.
Genome position (GRCh38, 1-based): chr6:51,748,016, A deleted on the plus strand (T on the coding strand, the reverse complement: PKHD1 is on the minus strand); the first of 2 consecutive A bases (chr6:51,748,016-51,748,017); deleting either gives the same sequence. VCF-style (leftmost placement, unchanged base first): chr6-51748015-TA-T. GRCh37 (hg19) VCF-style: chr6-51612813-TA-T.
Other names: c.9600del, p.Arg3201fs (NM_170724.3); short protein forms R3201fs.
Identifiers: ClinVar variation 1726710 (VCV001726710.2), dbSNP rs2533809692, ClinGen allele CA2580075428.

ClinVar aggregate classification (germline): Likely pathogenic (1 of 4 stars; one submission).

Conditions:
Polycystic kidney disease 4 (PKD4). Also called: POLYCYSTIC KIDNEY AND HEPATIC DISEASE 1; POLYCYSTIC KIDNEY DISEASE, INFANTILE, TYPE I; POLYCYSTIC KIDNEY DISEASE 4 WITH OR WITHOUT POLYCYSTIC LIVER DISEASE; PKD3; Autosomal Recessive Polycystic Kidney Disease – PKHD1. Identifiers: MedGen C4540575, MONDO:0033004, OMIM 263200.

Submission:

Myriad Genetics, Inc.
Classification: Likely pathogenic for Polycystic kidney disease 4. Last evaluated: 2021-12-30. Review status: criteria provided, single submitter. Criteria: Myriad Women's Health Autosomal Recessive and X-Linked Classification Criteria (2021). Collection method: clinical testing. Allele origin: unknown.
Comment: NM_138694.3(PKHD1):c.9600delT(R3201Gfs*19) is expected to be pathogenic in the context of autosomal recessive polycystic kidney disease, PKHD1-related. This variant is predicted to lead to an abnormal or absent protein product due to the creation of a premature termination codon in PKHD1, a gene where loss-of-function variants are known to be pathogenic. Please note: this variant was assessed in the context of healthy population screening.